The following is an entry in ClinVar:

ClinVar aggregate classification (germline): Uncertain significance. Review status: criteria provided, multiple submitters, no conflicts (2 of 4 stars). 2 submissions from 2 submitters: Uncertain significance (2). Last evaluated 2025-08-20.

Conditions:
Familial thoracic aortic aneurysm and aortic dissection (TAAD). Also called: Thoracic aortic aneurysms and dissections. Identifiers: Orphanet 91387, MedGen C4707243, MONDO:0019625.
Marfan syndrome (MFS). Also called: Marfan syndrome, classic; Marfan syndrome type 1; Marfan's syndrome; FBN1-Related Marfan Syndrome; MARFAN SYNDROME, TYPE I. Identifiers: Orphanet 284963, Orphanet 558, MedGen C0024796, MONDO:0007947, OMIM 154700.

Submissions (2):

Labcorp Genetics (formerly Invitae), Labcorp
Classification: Uncertain significance for Marfan syndrome; Familial thoracic aortic aneurysm and aortic dissection. Last evaluated: 2025-08-20. Review status: criteria provided, single submitter. Criteria: Invitae Variant Classification Sherloc (09022015). Collection method: clinical testing. Allele origin: germline.
Comment: This sequence change replaces valine, which is neutral and non-polar, with alanine, which is neutral and non-polar, at codon 2823 of the FBN1 protein (p.Val2823Ala). This variant is not present in population databases (gnomAD no frequency). This missense change has been observed in individual(s) with thoracic aortic aneurysm (internal data). ClinVar contains an entry for this variant (Variation ID: 923409). Invitae Evidence Modeling of protein sequence and biophysical properties (such as structural, functional, and spatial information, amino acid conservation, physicochemical variation, residue mobility, and thermodynamic stability) indicates that this missense variant is not expected to disrupt FBN1 protein function with a negative predictive value of 95%. In summary, the available evidence is currently insufficient to determine the role of this variant in disease. Therefore, it has been classified as a Variant of Uncertain Significance.

Color Diagnostics, LLC DBA Color Health
Classification: Uncertain significance for Familial thoracic aortic aneurysm and aortic dissection. Last evaluated: 2023-12-04. Review status: criteria provided, single submitter. Criteria: ACMG Guidelines, 2015. Collection method: clinical testing. Allele origin: germline.
Comment: Variant of Uncertain Significance due to insufficient evidence: This missense variant replaces valine with alanine at codon 2823 of the FBN1 protein. Computational prediction tools and conservation analyses are inconclusive regarding the impact of this variant on the protein function. Computational splicing tools suggest that this variant may not impact RNA splicing. To our knowledge, functional assays have not been performed for this variant nor has this variant been reported in individuals affected with cardiovascular disorders in the literature. This variant is rare in the general population and has been identified in 0/277264 chromosomes by the Genome Aggregation Database (gnomAD). Available evidence is insufficient to determine the pathogenicity of this variant conclusively.

NM_000138.5(FBN1):c.8468T>C (p.Val2823Ala)

Gene: FBN1 (fibrillin 1; minus strand). Cytogenetic location: 15q21.1.
Variant type: single nucleotide variant.
Coding change: c.8468T>C on transcript NM_000138.5 (MANE Select); coding-DNA position 8468, T replaced by C.
Protein change: p.Val2823Ala; replaces valine 2823 with alanine.
Molecular consequence: missense variant.
Genome position (GRCh38, 1-based): chr15:48,411,138, A>G on the plus strand (T>C on the coding strand, the complement: FBN1 is on the minus strand). VCF-style: chr15-48411138-A-G. GRCh37 (hg19) VCF-style: chr15-48703335-A-G.
Other names: short protein forms V2823A.
Identifiers: ClinVar variation 923409 (VCV000923409.6), dbSNP rs2042858248, ClinGen allele CA392318907.
Genomic context (GRCh38, chr15:48,411,138, plus strand): 5'-TTAAGTTCTTTCTTTTTATAAAGTGGAGTACTACTGATTTGTAATGAATAGGTTCCAGCC[A>G]CTGGCTTCTTCTTTGTGAAGTGGAGGTAGCTGATCCCTTCCTTTTGGTTGATTTTAAAGA-3'
Protein context (NP_000129.3, residues 2813-2833): SYLHFTKKKP[Val2823Ala]AGTYSLQISS